The following is an entry in ClinVar:

NM_005379.4(MYO1A):c.1517G>C (p.Cys506Ser)

Gene: MYO1A (myosin IA; minus strand). Cytogenetic location: 12q13.3.
Variant type: single nucleotide variant.
Coding change: c.1517G>C on transcript NM_005379.4 (MANE Select); coding-DNA position 1517, G replaced by C.
Protein change: p.Cys506Ser; replaces cysteine 506 with serine.
Molecular consequence: missense variant.
Genome position (GRCh38, 1-based): chr12:57,038,825, C>G on the plus strand (G>C on the coding strand, the complement: MYO1A is on the minus strand). VCF-style: chr12-57038825-C-G. GRCh37 (hg19) VCF-style: chr12-57432609-C-G.
Other names: c.1517G>C, p.Cys506Ser (NM_001256041.2); short protein forms C506S.
Identifiers: ClinVar variation 164594 (VCV000164594.11), dbSNP rs12297756, ClinGen allele CA177313.

ClinVar aggregate classification (germline): Benign/Likely benign. Review status: criteria provided, multiple submitters, no conflicts (2 of 4 stars). 4 submissions from 4 submitters: Benign (2); Likely benign (2). Last evaluated 2019-12-31.

Allele frequency attached by ClinVar (database versions not stated): ESP Exome Variant Server 0.00684; 1000 Genomes Project 30x 0.00781; gnomAD exomes 0.00204; gnomAD 0.00793 and 0.00734; TOPMed 0.00835; ExAC 0.00233; 1000 Genomes Project 0.00699.

Submissions (4):

Labcorp Genetics (formerly Invitae), Labcorp
Classification: Benign. Last evaluated: 2019-12-31. Review status: criteria provided, single submitter. Criteria: Invitae Variant Classification Sherloc (09022015). Collection method: clinical testing. Allele origin: germline.

GeneDx
Classification: Likely benign. Last evaluated: 2018-07-31. Review status: criteria provided, single submitter. Criteria: GeneDx Variant Classification Process June 2021. Collection method: clinical testing. Allele origin: germline. Affected: yes.

Laboratory for Molecular Medicine, Mass General Brigham Personalized Medicine
Classification: Benign. Last evaluated: 2012-05-07. Review status: criteria provided, single submitter. Criteria: LMM Criteria. Collection method: clinical testing. Allele origin: germline. Observed: 1 variant allele.
Comment: Cys506Ser in Exon 16 of MYO1A: This variant is not expected to have clinical sig nificance because it has been identified in 2.0% (76/3738) of African American c hromosomes from a broad population by the NHLBI Exome Sequencing Project (dbSNP rs12297756).

Breakthrough Genomics
Classification: Likely benign. Review status: criteria provided, single submitter. Criteria: ACMG Guidelines, 2015. Collection method: not provided. Allele origin: germline. Inheritance: Unknown mechanism. Affected: yes.